The following is an entry in ClinVar:

ClinVar aggregate classification (germline): Benign/Likely benign. Review status: criteria provided, multiple submitters, no conflicts (2 of 4 stars). 4 submissions from 4 submitters: Benign (1); Likely benign (3). Last evaluated 2025-10-13.

Conditions:
GRIN2A-related complex neurodevelopmental disorder. Also called: GRIN2A-related disorder; GRIN2A-related condition. Identifiers: MedGen CN379781, MONDO:1060139.
Landau-Kleffner syndrome (FESD). Also called: EPILEPSY, FOCAL, WITH SPEECH DISORDER AND WITH OR WITHOUT MENTAL RETARDATION; APHASIA, ACQUIRED, WITH EPILEPSY. Identifiers: Orphanet 1945, Orphanet 725, Orphanet 98818, MedGen C0282512, MONDO:0009509, OMIM 245570.

Allele frequency attached by ClinVar (database versions not stated): ExAC 0.00003; 1000 Genomes Project 0.00040; ESP Exome Variant Server 0.00008; 1000 Genomes Project 30x 0.00031; gnomAD 0.00006; TOPMed 0.00008.
gnomAD v4.1: 20 of 1,614,182 alleles (0.0012%); highest among the groups gnomAD compares: African/African-American, 0.02%; no homozygotes.

Submissions (4):

Labcorp Genetics (formerly Invitae), Labcorp
Classification: Likely benign for Landau-Kleffner syndrome. Last evaluated: 2025-10-13. Review status: criteria provided, single submitter. Criteria: Invitae Variant Classification Sherloc (09022015). Collection method: clinical testing. Allele origin: germline.

PreventionGenetics, part of Exact Sciences
Classification: Likely benign for GRIN2A-related condition. Last evaluated: 2025-03-18. Review status: criteria provided, single submitter. Criteria: ACMG Guidelines, 2015. Collection method: clinical testing. Allele origin: germline.
Comment: This variant is classified as likely benign based on ACMG/AMP sequence variant interpretation guidelines (Richards et al. 2015 PMID: 25741868, with internal and published modifications).

GeneDx
Classification: Likely benign. Last evaluated: 2021-02-01. Review status: criteria provided, single submitter. Criteria: GeneDx Variant Classification Process June 2021. Collection method: clinical testing. Allele origin: germline. Affected: yes.

Athena Diagnostics
Classification: Benign. Last evaluated: 2017-10-25. Review status: criteria provided, single submitter. Criteria: Athena Diagnostics Criteria. Collection method: clinical testing. Allele origin: germline.

NM_001134407.3(GRIN2A):c.306C>T (p.Asp102=)

Gene: GRIN2A (glutamate ionotropic receptor NMDA type subunit 2A; minus strand). Cytogenetic location: 16p13.2.
Variant type: single nucleotide variant.
Coding change: c.306C>T on transcript NM_001134407.3 (MANE Select); coding-DNA position 306, C replaced by T.
Protein change: p.Asp102=; no amino-acid change (aspartic acid 102 retained).
Molecular consequence: synonymous variant.
Genome position (GRCh38, 1-based): chr16:10,180,106, G>A on the plus strand (C>T on the coding strand, the complement: GRIN2A is on the minus strand). VCF-style: chr16-10180106-G-A. GRCh37 (hg19) VCF-style: chr16-10273963-G-A.
Other names: c.306C>T, p.Asp102= (NM_000833.5, NM_001134408.2).
Identifiers: ClinVar variation 386121 (VCV000386121.12), dbSNP rs200850130, ClinGen allele CA7897004.